The following is an entry in ClinVar:

ClinVar aggregate classification (germline): Uncertain significance (1 of 4 stars; one submission).

Conditions:
Tietz syndrome (TADS). Also called: HYPOPIGMENTATION/DEAFNESS OF TIETZ; TIETZ ALBINISM-DEAFNESS SYNDROME; ALBINISM-DEAFNESS OF TIETZ. Identifiers: Orphanet 42665, MedGen C0391816, MONDO:0007077, OMIM 103500.
Waardenburg syndrome type 2A (WS2A). Also called: WAARDENBURG SYNDROME WITHOUT DYSTOPIA CANTHORUM. Identifiers: Orphanet 3440, MedGen C1860339, MONDO:0008671, OMIM 193510.
Melanoma, cutaneous malignant, susceptibility to, 8. Also called: MELANOMA AND RENAL CELL CARCINOMA, SUSCEPTIBILITY TO; Cutaneous malignant melanoma 8. Identifiers: Orphanet 293822, MedGen C3152204, MONDO:0013759, OMIM 614456.

Submission:

Labcorp Genetics (formerly Invitae), Labcorp
Classification: Uncertain significance for Melanoma, cutaneous malignant, susceptibility to, 8; Waardenburg syndrome type 2A; Tietz syndrome. Last evaluated: 2024-04-08. Review status: criteria provided, single submitter. Criteria: Invitae Variant Classification Sherloc (09022015). Collection method: clinical testing. Allele origin: germline.
Comment: This sequence change replaces glutamine, which is neutral and polar, with glutamic acid, which is acidic and polar, at codon 262 of the MITF protein (p.Gln262Glu). This variant is not present in population databases (gnomAD no frequency). This variant has not been reported in the literature in individuals affected with MITF-related conditions. Advanced modeling of protein sequence and biophysical properties (such as structural, functional, and spatial information, amino acid conservation, physicochemical variation, residue mobility, and thermodynamic stability) performed at Invitae indicates that this missense variant is not expected to disrupt MITF protein function with a negative predictive value of 80%. In summary, the available evidence is currently insufficient to determine the role of this variant in disease. Therefore, it has been classified as a Variant of Uncertain Significance.

NM_001354604.2(MITF):c.1105C>G (p.Gln369Glu)

Gene: MITF (melanocyte inducing transcription factor; plus strand). Cytogenetic location: 3p13.
Variant type: single nucleotide variant.
Coding change: c.1105C>G on transcript NM_001354604.2 (MANE Select); coding-DNA position 1105, C replaced by G.
Protein change: p.Gln369Glu; replaces glutamine 369 with glutamic acid.
Molecular consequence: missense variant.
Genome position (GRCh38, 1-based): chr3:69,959,346, C>G. VCF-style: chr3-69959346-C-G. GRCh37 (hg19) VCF-style: chr3-70008497-C-G.
Other names: c.784C>G, p.Gln262Glu (NM_000248.4); c.931C>G, p.Gln311Glu (NM_001184967.2, NM_001354608.2); c.1102C>G, p.Gln368Glu (NM_001354605.2); c.1084C>G, p.Gln362Glu (NM_001354606.2, NM_006722.3); c.1036C>G, p.Gln346Glu (NM_001354607.2); c.766C>G, p.Gln256Glu (NM_198158.3); c.1087C>G, p.Gln363Glu (NM_198159.3); c.1039C>G, p.Gln347Glu (NM_198177.3); and 1 more; short protein forms Q200E, Q256E, Q262E, Q311E, Q346E, Q347E, Q362E, Q363E.
Identifiers: ClinVar variation 3755751 (VCV003755751.2).
Genomic context (GRCh38, chr3:69,959,346, plus strand): 5'-AACAAGGGAACCATCTTAAAAGCATCCGTGGACTATATCCGAAAGTTGCAACGAGAACAG[C>G]AACGCGCAAAAGAACTTGAAAACCGACAGAAGAAACTGGAGCACGCCAACCGGCATTTGT-3'
Protein context (NP_001341533.1, residues 359-379): DYIRKLQREQ[Gln369Glu]RAKELENRQK